The following is an entry in ClinVar:

NM_001348768.2(HECW2):c.2167G>C (p.Glu723Gln)

Gene: HECW2 (HECT, C2 and WW domain containing E3 ubiquitin protein ligase 2; minus strand). Cytogenetic location: 2q32.3.
Variant type: single nucleotide variant.
Coding change: c.2167G>C on transcript NM_001348768.2 (MANE Select); coding-DNA position 2167, G replaced by C.
Protein change: p.Glu723Gln; replaces glutamic acid 723 with glutamine.
Molecular consequence: missense variant.
Genome position (GRCh38, 1-based): chr2:196,318,723, C>G on the plus strand (G>C on the coding strand, the complement: HECW2 is on the minus strand). VCF-style: chr2-196318723-C-G. GRCh37 (hg19) VCF-style: chr2-197183447-C-G.
Other names: c.1099G>C, p.Glu367Gln (NM_001304840.3); c.2167G>C, p.Glu723Gln (NM_020760.4); short protein forms E723Q, E367Q.
Identifiers: ClinVar variation 560287 (VCV000560287.5), dbSNP rs1559036568, ClinGen allele CA349963795.
Genomic context (GRCh38, chr2:196,318,723, plus strand): 5'-GGCTCCCCCTCCGCTGCCAGACCTCCCCCAGCTCCTCCTGGTCAGGTACAGTGGCCGATT[C>G]TGCCCCTGGCCCTTCATCCTCCCCACTGGGCACCTGTACCACAGGTAAAGAACCAGCAGT-3'
Protein context (NP_001335697.1, residues 713-733): PSGEDEGPGA[Glu723Gln]SATVPDQEEL

ClinVar aggregate classification (germline): Uncertain significance. Review status: criteria provided, multiple submitters, no conflicts (2 of 4 stars). 2 submissions from 2 submitters: Uncertain significance (2). Last evaluated 2019-08-27.

Conditions:
Neurodevelopmental disorder with hypotonia, seizures, and absent language (NDHSAL). Identifiers: MedGen C4310643, MONDO:0014995, OMIM 617268.

Submissions (2):

GeneDx
Classification: Uncertain significance. Last evaluated: 2019-08-27. Review status: criteria provided, single submitter. Criteria: GeneDx Variant Classification Process June 2021. Collection method: clinical testing. Allele origin: germline. Affected: yes.
Comment: Not observed in large population cohorts (Lek et al., 2016); In silico analysis, which includes protein predictors and evolutionary conservation, supports that this variant does not alter protein structure/function; Has not been previously published as pathogenic or benign to our knowledge

Geisinger Autism and Developmental Medicine Institute, Geisinger Health System
Classification: Uncertain significance for Neurodevelopmental disorder with hypotonia, seizures, and absent language. Last evaluated: 2017-06-09. Review status: criteria provided, single submitter. Criteria: ACMG Guidelines, 2015. Collection method: provider interpretation, clinical testing. Allele origin: unknown. Observed: 1 variant allele.
Comment: De novo missense variants in HECW2 have been identified in individuals with neurodevelopmental disorders characterized by intellectual disability, severe developmental delay, hypotonia, and epilepsy. A paternal sample is unavailable, so inheritance is unknown; knowledge of the paternal family history is limited. Computational prediction models are inconsistent.